The following is an entry in ClinVar:

ClinVar aggregate classification (germline): Benign/Likely benign. Review status: criteria provided, multiple submitters, no conflicts (2 of 4 stars). 3 submissions from 3 submitters: Benign (1); Likely benign (2). Last evaluated 2024-04-22.

Conditions:
Hereditary cancer-predisposing syndrome. Also called: Neoplastic Syndromes, Hereditary; Hereditary Cancer Syndrome; Hereditary neoplastic syndrome; Tumor predisposition. Identifiers: Orphanet 140162, MedGen C0027672, MeSH D009386, MONDO:0015356.
Ataxia-telangiectasia syndrome (AT). Also called: ATAXIA-TELANGIECTASIA, COMPLEMENTATION GROUP A; ATAXIA-TELANGIECTASIA, FRESNO VARIANT; Ataxia-telangiectasia, complementation group E; Ataxia telangiectasia (A-T); LOUIS-BAR SYNDROME; Cerebello-oculocutaneous telangiectasia. Identifiers: Orphanet 100, MedGen C0004135, MONDO:0008840, OMIM 208900.
Familial cancer of breast. Also called: hereditary breast carcinoma; BREAST CANCER, FAMILIAL; Hereditary breast cancer. Identifiers: Orphanet 227535, MedGen C0346153, MONDO:0016419, OMIM 114480. Disease mechanism: loss of function.

Submissions (3):

Myriad Genetics, Inc.
Classification: Benign for Familial cancer of breast. Last evaluated: 2024-04-22. Review status: criteria provided, single submitter. Criteria: Myriad Autosomal Dominant, Autosomal Recessive and X-Linked Classification Criteria (2023). Collection method: clinical testing. Allele origin: unknown.
Comment: This variant is considered benign. This variant is a silent/synonymous amino acid change and it is not expected to impact splicing.

Labcorp Genetics (formerly Invitae), Labcorp
Classification: Likely benign for Ataxia-telangiectasia syndrome. Last evaluated: 2023-07-11. Review status: criteria provided, single submitter. Criteria: Invitae Variant Classification Sherloc (09022015). Collection method: clinical testing. Allele origin: germline.

Ambry Genetics
Classification: Likely benign for Hereditary cancer-predisposing syndrome. Last evaluated: 2019-10-30. Review status: criteria provided, single submitter. Criteria: Ambry Variant Classification Scheme 2023. Collection method: clinical testing. Allele origin: germline.

NM_000051.4(ATM):c.696C>T (p.Ile232=)

Gene: ATM (ATM serine/threonine kinase; plus strand). Cytogenetic location: 11q22.3.
Variant type: single nucleotide variant.
Coding change: c.696C>T on transcript NM_000051.4 (MANE Select); coding-DNA position 696, C replaced by T.
Protein change: p.Ile232=; no amino-acid change (isoleucine 232 retained).
Molecular consequence: synonymous variant.
Genome position (GRCh38, 1-based): chr11:108,244,821, C>T. VCF-style: chr11-108244821-C-T. GRCh37 (hg19) VCF-style: chr11-108115548-C-T.
Other names: c.696C>T, p.Ile232= (NM_001351834.2).
Identifiers: ClinVar variation 826731 (VCV000826731.8), dbSNP rs1591503507, ClinGen allele CA476744630.